The following is an entry in ClinVar:

NM_000051.4(ATM):c.6635T>C (p.Leu2212Pro)

Genes: ATM (ATM serine/threonine kinase; plus strand), C11orf65 (chromosome 11 open reading frame 65; minus strand). Cytogenetic location: 11q22.3.
Variant type: single nucleotide variant.
Coding change: c.6635T>C on transcript NM_000051.4 (MANE Select); coding-DNA position 6635, T replaced by C.
Protein change: p.Leu2212Pro; replaces leucine 2212 with proline.
Molecular consequence: missense variant. On other transcripts: intron variant (2).
Genome position (GRCh38, 1-based): chr11:108,325,372, T>C. VCF-style: chr11-108325372-T-C. GRCh37 (hg19) VCF-style: chr11-108196099-T-C.
Other names: c.6635T>C, p.Leu2212Pro (NM_001351834.2); c.641-16301A>G (NM_001330368.2); c.*38+9848A>G (NM_001351110.2); short protein forms L2212P.
Identifiers: ClinVar variation 1754589 (VCV001754589.5), dbSNP rs2136309790, ClinGen allele CA382554783.

ClinVar aggregate classification (germline): Uncertain significance. Review status: criteria provided, multiple submitters, no conflicts (2 of 4 stars). 2 submissions from 2 submitters: Uncertain significance (2). Last evaluated 2023-10-14.

Conditions:
Ataxia-telangiectasia syndrome (AT). Also called: Ataxia telangiectasia (A-T); LOUIS-BAR SYNDROME; Cerebello-oculocutaneous telangiectasia; Immunodeficiency with ataxia telangiectasia; Ataxia-telangiectasia, complementation group D; AT, COMPLEMENTATION GROUP C. Identifiers: Orphanet 100, MedGen C0004135, MONDO:0008840, OMIM 208900.
Hereditary cancer-predisposing syndrome. Also called: Hereditary neoplastic syndrome; Neoplastic Syndromes, Hereditary; Tumor predisposition; Hereditary Cancer Syndrome. Identifiers: Orphanet 140162, MedGen C0027672, MeSH D009386, MONDO:0015356.

Allele frequency attached by ClinVar (database versions not stated): gnomAD exomes below 0.00001.
gnomAD v4.1: 2 of 1,613,184 alleles (0.00012%); highest among the groups gnomAD compares: Non-Finnish European, 0.00017%; no homozygotes.

Submissions (2):

Labcorp Genetics (formerly Invitae), Labcorp
Classification: Uncertain significance for Ataxia-telangiectasia syndrome. Last evaluated: 2023-10-14. Review status: criteria provided, single submitter. Criteria: Invitae Variant Classification Sherloc (09022015). Collection method: clinical testing. Allele origin: germline.
Comment: This sequence change replaces leucine, which is neutral and non-polar, with proline, which is neutral and non-polar, at codon 2212 of the ATM protein (p.Leu2212Pro). This variant is not present in population databases (gnomAD no frequency). This variant has not been reported in the literature in individuals affected with ATM-related conditions. ClinVar contains an entry for this variant (Variation ID: 1754589). An algorithm developed to predict the effect of missense changes on protein structure and function (PolyPhen-2) suggests that this variant is likely to be disruptive. Algorithms developed to predict the effect of sequence changes on RNA splicing suggest that this variant may disrupt the consensus splice site. In summary, the available evidence is currently insufficient to determine the role of this variant in disease. Therefore, it has been classified as a Variant of Uncertain Significance.

Ambry Genetics
Classification: Uncertain significance for Hereditary cancer-predisposing syndrome. Last evaluated: 2019-11-15. Review status: criteria provided, single submitter. Criteria: Ambry Variant Classification Scheme 2023. Collection method: clinical testing. Allele origin: germline.
Comment: The p.L2212P variant (also known as c.6635T>C), located in coding exon 45 of the ATM gene, results from a T to C substitution at nucleotide position 6635. The leucine at codon 2212 is replaced by proline, an amino acid with similar properties. This amino acid position is well conserved in available vertebrate species. In addition, this alteration is predicted to be deleterious by in silico analysis. Since supporting evidence is limited at this time, the clinical significance of this alteration remains unclear.